The following is an entry in ClinVar:

NM_025137.4(SPG11):c.5227A>G (p.Ile1743Val)

Gene: SPG11 (SPG11 vesicle trafficking associated, spatacsin; minus strand). Cytogenetic location: 15q21.1.
Variant type: single nucleotide variant.
Coding change: c.5227A>G on transcript NM_025137.4 (MANE Select); coding-DNA position 5227, A replaced by G.
Protein change: p.Ile1743Val; replaces isoleucine 1743 with valine.
Molecular consequence: missense variant.
Genome position (GRCh38, 1-based): chr15:44,584,453, T>C on the plus strand (A>G on the coding strand, the complement: SPG11 is on the minus strand). VCF-style: chr15-44584453-T-C. GRCh37 (hg19) VCF-style: chr15-44876651-T-C.
Other names: c.5227A>G, p.Ile1743Val (NM_001160227.2); short protein forms I1743V.
Identifiers: ClinVar variation 855791 (VCV000855791.7), dbSNP rs1419267108, ClinGen allele CA392223004.

ClinVar aggregate classification (germline): Uncertain significance (1 of 4 stars; one submission).

Conditions:
Hereditary spastic paraplegia 11. Also called: SPASTIC PARAPLEGIA, AUTOSOMAL RECESSIVE, COMPLICATED, WITH THIN CORPUS CALLOSUM; SPASTIC PARAPLEGIA, AUTOSOMAL RECESSIVE, WITH MENTAL IMPAIRMENT AND THIN CORPUS CALLOSUM; Spastic paraplegia, mental retardation and thin corpus callosum; Nakamura Osame syndrome; Autosomal recessive hereditary spastic paraplegia, mental impairment, and thin corpus callosum; Spastic Paraplegia 11. Identifiers: Orphanet 2822, MedGen C1858479, MONDO:0011445, OMIM 604360.

Allele frequency attached by ClinVar (database versions not stated): gnomAD exomes below 0.00001; TOPMed below 0.00001.
gnomAD v4.1: 2 of 1,614,238 alleles (0.00012%); highest among the groups gnomAD compares: Non-Finnish European, 0.00017%; no homozygotes.

Submission:

Labcorp Genetics (formerly Invitae), Labcorp
Classification: Uncertain significance for Hereditary spastic paraplegia 11. Last evaluated: 2021-09-01. Review status: criteria provided, single submitter. Criteria: Invitae Variant Classification Sherloc (09022015). Collection method: clinical testing. Allele origin: germline.
Comment: This sequence change replaces isoleucine with valine at codon 1743 of the SPG11 protein (p.Ile1743Val). The isoleucine residue is moderately conserved and there is a small physicochemical difference between isoleucine and valine. This variant is not present in population databases (ExAC no frequency). This variant has not been reported in the literature in individuals affected with SPG11-related conditions. Algorithms developed to predict the effect of missense changes on protein structure and function output the following: SIFT: "Tolerated"; PolyPhen-2: "Benign"; Align-GVGD: "Class C0". The valine amino acid residue is found in multiple mammalian species, which suggests that this missense change does not adversely affect protein function. In summary, the available evidence is currently insufficient to determine the role of this variant in disease. Therefore, it has been classified as a Variant of Uncertain Significance.